The following is an entry in ClinVar:

ClinVar aggregate classification (germline): Uncertain significance. Review status: criteria provided, multiple submitters, no conflicts (2 of 4 stars). 2 submissions from 2 submitters: Uncertain significance (2). Last evaluated 2025-11-21.

Conditions:
Inborn genetic diseases. Identifiers: MedGen C0950123, MeSH D030342.

Allele frequency attached by ClinVar (database versions not stated): ExAC 0.00003; gnomAD exomes 0.00004; TOPMed 0.00005; gnomAD 0.00006; ESP Exome Variant Server 0.00008.
gnomAD v4.1: 77 of 1,614,030 alleles (0.0048%); highest among the groups gnomAD compares: South Asian, 0.016%; no homozygotes.

Submissions (2):

Labcorp Genetics (formerly Invitae), Labcorp
Classification: Uncertain significance. Last evaluated: 2025-11-21. Review status: criteria provided, single submitter. Criteria: Invitae Variant Classification Sherloc (09022015). Collection method: clinical testing. Allele origin: germline.
Comment: This sequence change replaces arginine, which is basic and polar, with histidine, which is basic and polar, at codon 1116 of the DUOX2 protein (p.Arg1116His). This variant is present in population databases (rs145586290, gnomAD 0.01%). This variant has not been reported in the literature in individuals affected with DUOX2-related conditions. ClinVar contains an entry for this variant (Variation ID: 1011776). Invitae Evidence Modeling of protein sequence and biophysical properties (such as structural, functional, and spatial information, amino acid conservation, physicochemical variation, residue mobility, and thermodynamic stability) indicates that this missense variant is not expected to disrupt DUOX2 protein function with a negative predictive value of 80%. In summary, the available evidence is currently insufficient to determine the role of this variant in disease. Therefore, it has been classified as a Variant of Uncertain Significance.

Ambry Genetics
Classification: Uncertain significance for Inborn genetic diseases. Last evaluated: 2025-05-19. Review status: criteria provided, single submitter. Criteria: Ambry Variant Classification Scheme 2023. Collection method: clinical testing. Allele origin: germline.

NM_001363711.2(DUOX2):c.3347G>A (p.Arg1116His)

Gene: DUOX2 (dual oxidase 2; minus strand). Cytogenetic location: 15q21.1.
Variant type: single nucleotide variant.
Coding change: c.3347G>A on transcript NM_001363711.2 (MANE Select); coding-DNA position 3347, G replaced by A.
Protein change: p.Arg1116His; replaces arginine 1116 with histidine.
Molecular consequence: missense variant.
Genome position (GRCh38, 1-based): chr15:45,099,730, C>T on the plus strand (G>A on the coding strand, the complement: DUOX2 is on the minus strand). VCF-style: chr15-45099730-C-T. GRCh37 (hg19) VCF-style: chr15-45391928-C-T.
Other names: c.3347G>A (NM_014080.4); c.3347G>A, p.Arg1116His (NM_014080.5); short protein forms R1116H.
Identifiers: ClinVar variation 1011776 (VCV001011776.7), dbSNP rs145586290, ClinGen allele CA7537908.
Genomic context (GRCh38, chr15:45,099,730, plus strand): 5'-ACAACAGCAGCCATGGCGATCCAGCGGTGGAAGTCCACTGCGGCATCAAAAGGCACATAG[C>T]GGTTGAGGAAAGTCTCTCGCAGGAAGGTTATGAGGTTGCGGCACATGGTGAGCAAGATAT-3'
Protein context (NP_001350640.1, residues 1106-1126): ITFLRETFLN[Arg1116His]YVPFDAAVDF